The following is an entry in ClinVar:

ClinVar aggregate classification (germline): Benign (1 of 4 stars; one submission).

Allele frequency attached by ClinVar (database versions not stated): 1000 Genomes Project 30x 0.09884; gnomAD 0.12976 and 0.12991; ESP Exome Variant Server 0.12979; ExAC 0.14248; 1000 Genomes Project 0.10264; gnomAD exomes 0.14127; TOPMed 0.11412.
gnomAD v4.1: 268,620 of 1,612,168 alleles (17%); highest among the groups gnomAD compares: East Asian, 19%; 24,527 homozygotes.

Submission:

GeneDx
Classification: Benign. Last evaluated: 2021-02-26. Review status: criteria provided, single submitter. Criteria: GeneDx Variant Classification Process June 2021. Collection method: clinical testing. Allele origin: germline. Affected: yes.
Comment: This variant is associated with the following publications: (PMID: 32039725)

NM_001199298.2(UIMC1):c.1304C>T (p.Pro435Leu)

Gene: UIMC1 (ubiquitin interaction motif containing 1; minus strand). Cytogenetic location: 5q35.2.
Variant type: single nucleotide variant.
Coding change: c.1304C>T on transcript NM_001199298.2 (MANE Select); coding-DNA position 1304, C replaced by T.
Protein change: p.Pro435Leu; replaces proline 435 with leucine.
Molecular consequence: missense variant.
Genome position (GRCh38, 1-based): chr5:176,955,994, G>A on the plus strand (C>T on the coding strand, the complement: UIMC1 is on the minus strand). VCF-style: chr5-176955994-G-A. GRCh37 (hg19) VCF-style: chr5-176382995-G-A.
Other names: c.1304C>T, p.Pro435Leu (NM_001199297.3, NM_016290.5); c.806C>T, p.Pro269Leu (NM_001317961.2); short protein forms P269L, P435L.
Identifiers: ClinVar variation 1275697 (VCV001275697.1), dbSNP rs3733876, ClinGen allele CA3575169.
Genomic context (GRCh38, chr5:176,955,994, plus strand): 5'-AGTAAAATCACAGTGGGGTACTTACCAGGACAAACAGTGATTTCTTCTGCAGAACTCTCT[G>A]GCATAAGGACTAAGCTTCTCTTACTGGTCAAAGCAGCAACACTGAAAGAGAACCAAATCC-3'
Protein context (NP_001186227.1, residues 425-445): LTSKRSLVLM[Pro435Leu]ESSAEEITVC